The following is an entry in ClinVar:

NM_012062.5(DNM1L):c.1596+248G>A

Gene: DNM1L (dynamin 1 like; plus strand). Cytogenetic location: 12p11.21.
Variant type: single nucleotide variant.
Coding change: c.1596+248G>A on transcript NM_012062.5 (MANE Select); 248 bases into the intron after coding-DNA position 1596, G replaced by A.
Molecular consequence: intron variant.
Genome position (GRCh38, 1-based): chr12:32,737,409, G>A. VCF-style: chr12-32737409-G-A. GRCh37 (hg19) VCF-style: chr12-32890343-G-A.
Other names: c.1635+248G>A (NM_001278464.2, NM_001278465.2, NM_001330380.2); c.987+248G>A (NM_001278466.2); c.1596+248G>A (NM_001278463.2, NM_012063.4, NM_005690.5).
Identifiers: ClinVar variation 678581 (VCV000678581.1), dbSNP rs6488080, ClinGen allele CA15730273.

ClinVar aggregate classification (germline): Benign (1 of 4 stars; one submission).

Allele frequency attached by ClinVar (database versions not stated): 1000 Genomes Project 0.12700; 1000 Genomes Project 30x 0.12883; gnomAD exomes 0.13380; gnomAD 0.14009 and 0.14307; TOPMed 0.14593.
gnomAD v4.1: 64,419 of 471,772 alleles (14%); highest among the groups gnomAD compares: Middle Eastern, 18%; 4,592 homozygotes.

Submission:

GeneDx
Classification: Benign. Last evaluated: 2018-06-14. Review status: criteria provided, single submitter. Criteria: GeneDx Variant Classification (06012015). Collection method: clinical testing. Allele origin: germline. Affected: yes.
Comment: This variant is considered likely benign or benign based on one or more of the following criteria: it is a conservative change, it occurs at a poorly conserved position in the protein, it is predicted to be benign by multiple in silico algorithms, and/or has population frequency not consistent with disease.